The following is an entry in ClinVar:

NM_177550.5(SLC13A5):c.1052C>A (p.Thr351Lys)

Gene: SLC13A5 (solute carrier family 13 member 5; minus strand). Cytogenetic location: 17p13.1.
Variant type: single nucleotide variant.
Coding change: c.1052C>A on transcript NM_177550.5 (MANE Select); coding-DNA position 1052, C replaced by A.
Protein change: p.Thr351Lys; replaces threonine 351 with lysine.
Molecular consequence: missense variant.
Genome position (GRCh38, 1-based): chr17:6,695,729, G>T on the plus strand (C>A on the coding strand, the complement: SLC13A5 is on the minus strand). VCF-style: chr17-6695729-G-T. GRCh37 (hg19) VCF-style: chr17-6599048-G-T.
Other names: c.1052C>A, p.Thr351Lys (NM_001143838.3); c.1001C>A, p.Thr334Lys (NM_001284509.2); c.923C>A, p.Thr308Lys (NM_001284510.2); short protein forms T334K, T351K, T308K.
Identifiers: ClinVar variation 2046623 (VCV002046623.4), dbSNP rs1236953307, ClinGen allele CA397743351.

ClinVar aggregate classification (germline): Uncertain significance (1 of 4 stars; one submission).

Conditions:
Developmental and epileptic encephalopathy, 25 (DEE25). Also called: Developmental and epileptic encephalopathy 25, with amelogenesis imperfecta; Epileptic encephalopathy, early infantile, 25, with amelogenesis imperfecta; Epileptic encephalopathy, early infantile, 25. Identifiers: Orphanet 442835, MedGen C4014621, MONDO:0014392, OMIM 615905.

Allele frequency attached by ClinVar (database versions not stated): TOPMed below 0.00001; gnomAD 0.00001.
gnomAD v4.1: 1 of 1,613,948 alleles (0.000062%); highest among the groups gnomAD compares: Non-Finnish European, 0.000085%; no homozygotes.

Submission:

Labcorp Genetics (formerly Invitae), Labcorp
Classification: Uncertain significance for Developmental and epileptic encephalopathy, 25. Last evaluated: 2024-01-19. Review status: criteria provided, single submitter. Criteria: Invitae Variant Classification Sherloc (09022015). Collection method: clinical testing. Allele origin: germline.
Comment: This sequence change replaces threonine, which is neutral and polar, with lysine, which is basic and polar, at codon 351 of the SLC13A5 protein (p.Thr351Lys). This variant is not present in population databases (gnomAD no frequency). This variant has not been reported in the literature in individuals affected with SLC13A5-related conditions. ClinVar contains an entry for this variant (Variation ID: 2046623). Algorithms developed to predict the effect of missense changes on protein structure and function output the following: SIFT: "Not Available"; PolyPhen-2: "Benign"; Align-GVGD: "Not Available". The lysine amino acid residue is found in multiple mammalian species, which suggests that this missense change does not adversely affect protein function. In summary, the available evidence is currently insufficient to determine the role of this variant in disease. Therefore, it has been classified as a Variant of Uncertain Significance.